The following is an entry in ClinVar:

NM_001039141.3(TRIOBP):c.2991C>T (p.Pro997=)

Gene: TRIOBP (TRIO and F-actin binding protein; plus strand). Cytogenetic location: 22q13.1.
Variant type: single nucleotide variant.
Coding change: c.2991C>T on transcript NM_001039141.3 (MANE Select); coding-DNA position 2991, C replaced by T.
Protein change: p.Pro997=; no amino-acid change (proline 997 retained).
Molecular consequence: synonymous variant.
Genome position (GRCh38, 1-based): chr22:37,725,547, C>T. VCF-style: chr22-37725547-C-T. GRCh37 (hg19) VCF-style: chr22-38121554-C-T.
Identifiers: ClinVar variation 1566688 (VCV001566688.14), dbSNP rs200913574, ClinGen allele CA10223995.

ClinVar aggregate classification (germline): Likely benign. Review status: criteria provided, multiple submitters, no conflicts (2 of 4 stars). 4 submissions from 4 submitters: Likely benign (4). Last evaluated 2026-02-01.

Allele frequency attached by ClinVar (database versions not stated): gnomAD 0.00005 and 0.00009; gnomAD exomes 0.00006 and 0.00018; ExAC 0.00014; TOPMed 0.00016; 1000 Genomes Project 0.00060; 1000 Genomes Project 30x 0.00094.
gnomAD v4.1: 99 of 1,613,714 alleles (0.0061%); highest among the groups gnomAD compares: East Asian, 0.14%; no homozygotes.

Submissions (4):

CeGaT Center for Human Genetics Tuebingen
Classification: Likely benign. Last evaluated: 2026-02-01. Review status: criteria provided, single submitter. Criteria: CeGaT Center For Human Genetics Tuebingen Variant Classification Criteria Version 2. Collection method: clinical testing. Allele origin: germline. Affected: yes. Observed: 1 variant allele.
Comment: TRIOBP: BP4, BP7

Labcorp Genetics (formerly Invitae), Labcorp
Classification: Likely benign. Last evaluated: 2025-10-22. Review status: criteria provided, single submitter. Criteria: Invitae Variant Classification Sherloc (09022015). Collection method: clinical testing. Allele origin: germline.

Blueprint Genetics
Classification: Likely benign. Last evaluated: 2024-09-10. Review status: criteria provided, single submitter. Criteria: ACMG Guidelines, 2015. Collection method: clinical testing. Allele origin: germline.

Breakthrough Genomics
Classification: Likely benign. Review status: criteria provided, single submitter. Criteria: ACMG Guidelines, 2015. Collection method: not provided. Allele origin: germline. Inheritance: Autosomal recessive inheritance. Affected: yes.